The following is an entry in ClinVar:

NM_017679.5(BCAS3):c.661+6T>C

Gene: BCAS3 (BCAS3 microtubule associated cell migration factor; plus strand). Cytogenetic location: 17q23.2.
Variant type: single nucleotide variant.
Coding change: c.661+6T>C on transcript NM_017679.5 (MANE Select); 6 bases into the intron after coding-DNA position 661, T replaced by C.
Molecular consequence: intron variant.
Genome position (GRCh38, 1-based): chr17:60,874,744, T>C. VCF-style: chr17-60874744-T-C. GRCh37 (hg19) VCF-style: chr17-58952105-T-C.
Other names: c.661+6T>C (NM_001353144.2, NM_001353145.2, NM_001330413.2 and 4 more transcripts).
Identifiers: ClinVar variation 3823142 (VCV003823142.1).
Genomic context (GRCh38, chr17:60,874,744, plus strand): 5'-GAGAAAATTGCTGCCTTTGATAGCTGTACTTTCACGAAGAAATTCTTTGTTACAAGTATG[T>C]ACCAATTTTTTTTCCCTTCTTATGCCTTTGGGTTTATACTACTTACTTGACACAATCAGC-3'

ClinVar aggregate classification (germline): Uncertain significance (1 of 4 stars; one submission).

Conditions:
Inborn genetic diseases. Identifiers: MedGen C0950123, MeSH D030342.

gnomAD v4.1: 1 of 1,600,706 alleles (0.000062%); highest among the groups gnomAD compares: Non-Finnish European, 0.000085%; no homozygotes.

Submission:

Ambry Genetics
Classification: Uncertain significance for Inborn genetic diseases. Last evaluated: 2025-01-29. Review status: criteria provided, single submitter. Criteria: Ambry Variant Classification Scheme 2023. Collection method: clinical testing. Allele origin: germline.
Comment: The c.661+6T>C intronic alteration consists of a T to C substitution 6 nucleotides after exon 9 (coding exon 8) of the BCAS3 gene. Based on insufficient or conflicting evidence, the clinical significance of this alteration remains unclear.